The following is an entry in ClinVar:

ClinVar aggregate classification (germline): Uncertain significance (1 of 4 stars; one submission).

Allele frequency attached by ClinVar (database versions not stated): gnomAD exomes below 0.00001 and 0.00001; TOPMed below 0.00001; gnomAD 0.00001; ExAC 0.00002.
gnomAD v4.1: 7 of 1,613,240 alleles (0.00043%); highest among the groups gnomAD compares: African/African-American, 0.0027%; no homozygotes.

Submission:

Labcorp Genetics (formerly Invitae), Labcorp
Classification: Uncertain significance. Last evaluated: 2025-04-22. Review status: criteria provided, single submitter. Criteria: Invitae Variant Classification Sherloc (09022015). Collection method: clinical testing. Allele origin: germline.
Comment: This sequence change replaces valine, which is neutral and non-polar, with isoleucine, which is neutral and non-polar, at codon 525 of the IL6ST protein (p.Val525Ile). This variant is present in population databases (rs764703306, gnomAD 0.002%). This variant has not been reported in the literature in individuals affected with IL6ST-related conditions. ClinVar contains an entry for this variant (Variation ID: 1373212). An algorithm developed to predict the effect of missense changes on protein structure and function (PolyPhen-2) suggests that this variant is likely to be tolerated. In summary, the available evidence is currently insufficient to determine the role of this variant in disease. Therefore, it has been classified as a Variant of Uncertain Significance.

NM_002184.4(IL6ST):c.1573G>A (p.Val525Ile)

Gene: IL6ST (interleukin 6 cytokine family signal transducer; minus strand). Cytogenetic location: 5q11.2.
Variant type: single nucleotide variant.
Coding change: c.1573G>A on transcript NM_002184.4 (MANE Select); coding-DNA position 1573, G replaced by A.
Protein change: p.Val525Ile; replaces valine 525 with isoleucine.
Molecular consequence: missense variant. On other transcripts: 3 prime UTR variant (1), non-coding transcript variant (2).
Genome position (GRCh38, 1-based): chr5:55,952,055, C>T on the plus strand (G>A on the coding strand, the complement: IL6ST is on the minus strand). VCF-style: chr5-55952055-C-T. GRCh37 (hg19) VCF-style: chr5-55247883-C-T.
Other names: c.1390G>A, p.Val464Ile (NM_001190981.2); c.1471G>A, p.Val491Ile (NM_001364275.2); c.1363G>A, p.Val455Ile (NM_001364276.2); c.706G>A, p.Val236Ile (NM_001364277.2); c.670G>A, p.Val224Ile (NM_001364278.2); c.577G>A, p.Val193Ile (NM_001364279.2); c.*500G>A (NM_175767.3); short protein forms V525I, V193I, V455I, V491I, V224I, V236I, V464I.
Identifiers: ClinVar variation 1373212 (VCV001373212.8), dbSNP rs764703306, ClinGen allele CA3271371.